The following is an entry in ClinVar:

NC_000001.10:g.(?_145414782)_(145474819_?)dup

Genes: ANKRD34A (ankyrin repeat domain 34A; minus strand), HJV (hemojuvelin BMP co-receptor; minus strand), POLR3GL (RNA polymerase III subunit GL; plus strand), TXNIP (thioredoxin interacting protein; minus strand). Cytogenetic location: 1q21.1.
Variant type: Duplication.
Identifiers: ClinVar variation 583737 (VCV000583737.1).

ClinVar aggregate classification (germline): Uncertain significance (1 of 4 stars; one submission).

Conditions:
Hemochromatosis type 2A (HFE2A). Also called: Adult-Onset Hemochromatosis; HJV (HFE2)-Related Juvenile Hemochromatosis. Identifiers: Orphanet 79230, MedGen C1865614, MONDO:0011216, OMIM 602390.

Submission:

Labcorp Genetics (formerly Invitae), Labcorp
Classification: Uncertain significance for Hemochromatosis type 2A. Last evaluated: 2018-01-04. Review status: criteria provided, single submitter. Criteria: Invitae Variant Classification Sherloc (09022015). Collection method: clinical testing. Allele origin: germline.
Comment: A gross duplication of the genomic region encompassing the full coding sequence of the HFE2 gene has been identified. The boundaries of this event are unknown as the duplication extends beyond the assayed region for this gene and therefore may encompass additional genes. As the precise location of this duplication is unknown, it may be in tandem or it may be located elsewhere in the genome. This variant has not been reported in the literature in individuals with HFE2-related disease. In summary, the available evidence is currently insufficient to determine the role of this variant in disease. Therefore, it has been classified as a Variant of Uncertain Significance.